The following is an entry in ClinVar:

NM_004380.3(CREBBP):c.273C>T (p.Ala91=)

Gene: CREBBP (CREB binding lysine acetyltransferase; minus strand). Cytogenetic location: 16p13.3.
Variant type: single nucleotide variant.
Coding change: c.273C>T on transcript NM_004380.3 (MANE Select); coding-DNA position 273, C replaced by T.
Protein change: p.Ala91=; no amino-acid change (alanine 91 retained).
Molecular consequence: synonymous variant.
Genome position (GRCh38, 1-based): chr16:3,850,822, G>A on the plus strand (C>T on the coding strand, the complement: CREBBP is on the minus strand). VCF-style: chr16-3850822-G-A. GRCh37 (hg19) VCF-style: chr16-3900823-G-A.
Other names: c.273C>T (NM_004380.2); c.273C>T, p.Ala91= (NM_001079846.1).
Identifiers: ClinVar variation 1911114 (VCV001911114.7), dbSNP rs1251096480, ClinGen allele CA493395295.

ClinVar aggregate classification (germline): Likely benign. Review status: criteria provided, multiple submitters, no conflicts (2 of 4 stars). 3 submissions from 3 submitters: Likely benign (3). Last evaluated 2024-11-05.

Conditions:
Rubinstein-Taybi syndrome (RSTS). Identifiers: Orphanet 783, MedGen C0035934, MONDO:0019188.
CREBBP-related disorder. Also called: CREBBP-related condition; CREBBP-related disorders.

Allele frequency attached by ClinVar (database versions not stated): gnomAD 0.00001; gnomAD exomes 0.00001; TOPMed 0.00002.
gnomAD v4.1: 6 of 1,614,014 alleles (0.00037%); highest among the groups gnomAD compares: Admixed American, 0.0017%; no homozygotes.

Submissions (3):

PreventionGenetics, part of Exact Sciences
Classification: Likely benign for CREBBP-related condition. Last evaluated: 2024-11-05. Review status: criteria provided, single submitter. Criteria: ACMG Guidelines, 2015. Collection method: clinical testing. Allele origin: germline.
Comment: This variant is classified as likely benign based on ACMG/AMP sequence variant interpretation guidelines (Richards et al. 2015 PMID: 25741868, with internal and published modifications).

Women's Health and Genetics/Laboratory Corporation of America, LabCorp
Classification: Likely benign. Last evaluated: 2024-07-05. Review status: criteria provided, single submitter. Criteria: LabCorp Variant Classification Summary - May 2015. Collection method: clinical testing. Allele origin: germline.

Labcorp Genetics (formerly Invitae), Labcorp
Classification: Likely benign for Rubinstein-Taybi syndrome. Last evaluated: 2023-12-18. Review status: criteria provided, single submitter. Criteria: Invitae Variant Classification Sherloc (09022015). Collection method: clinical testing. Allele origin: germline.